The following is an entry in ClinVar:

NM_000384.3(APOB):c.13020T>C (p.Tyr4340=)

Gene: APOB (apolipoprotein B; minus strand). Cytogenetic location: 2p24.1.
Variant type: single nucleotide variant.
Coding change: c.13020T>C on transcript NM_000384.3 (MANE Select); coding-DNA position 13020, T replaced by C.
Protein change: p.Tyr4340=; no amino-acid change (tyrosine 4340 retained).
Molecular consequence: synonymous variant.
Genome position (GRCh38, 1-based): chr2:21,002,402, A>G on the plus strand (T>C on the coding strand, the complement: APOB is on the minus strand). VCF-style: chr2-21002402-A-G. GRCh37 (hg19) VCF-style: chr2-21225274-A-G.
Identifiers: ClinVar variation 490384 (VCV000490384.63), dbSNP rs141339310, ClinGen allele CA051705.
Genomic context (GRCh38, chr2:21,002,402, plus strand): 5'-ATTGAACTTATGAAGATTAAGGCATAGGTTTTCTTTCAACAATTTAAAAACATATGGGAT[A>G]TAATCACTGAAGATTGTGTTGATCTCATCTTGGATATAATTAATAAGATAAGTAAATTTC-3'
Protein context (NP_000375.3, residues 4330-4350): QDEINTIFSD[Tyr4340=]IPYVFKLLKE

ClinVar aggregate classification (germline): Conflicting classifications of pathogenicity. Review status: criteria provided, conflicting classifications (1 of 4 stars). 9 submissions from 8 submitters: Uncertain significance (2); Likely benign (7). Last evaluated 2026-06-01.

Conditions:
Familial hypobetalipoproteinemia 1. Also called: Hypobetalipoproteinemia, normotriglyceridemic; Acanthocytosis with hypobetalipoproteinemia; APOB-Related Familial Hypobetalipoproteinemia. Identifiers: MedGen C4551990, MONDO:0014252, OMIM 615558.
Familial hypercholesterolemia. Also called: Familial hypercholesterolaemia; Familial hypercholesterolemias. Identifiers: MedGen C0020445, MONDO:0005439.
Hypercholesterolemia, autosomal dominant, type B (FHCL2). Also called: Familial hypercholesterolemia 2; Familial Hypercholesterolemia Type B; HYPERCHOLESTEROLEMIA, FAMILIAL, DUE TO LIGAND-DEFECTIVE APOLIPOPROTEIN B; Hyperlipoproteinemia Type IIb; APOB-Related Familial Hypercholesterolemia, Autosomal Dominant; APOLIPOPROTEIN B-100, FAMILIAL DEFECTIVE. Identifiers: MedGen C1704417, MONDO:0007751, OMIM 144010.
Cardiovascular phenotype. Identifiers: MedGen CN230736.

Allele frequency attached by ClinVar (database versions not stated): gnomAD 0.00021 and 0.00020; 1000 Genomes Project 30x 0.00031; ESP Exome Variant Server 0.00038; ExAC 0.00012; gnomAD exomes 0.00014; TOPMed 0.00017; 1000 Genomes Project 0.00020.
gnomAD v4.1: 366 of 1,602,538 alleles (0.023%); highest among the groups gnomAD compares: Non-Finnish European, 0.029%; no homozygotes.

Submissions (9):

CeGaT Center for Human Genetics Tuebingen
Classification: Likely benign. Last evaluated: 2026-06-01. Review status: criteria provided, single submitter. Criteria: CeGaT Center For Human Genetics Tuebingen Variant Classification Criteria Version 2. Collection method: clinical testing. Allele origin: germline. Affected: yes. Observed: 2 variant alleles.
Comment: APOB: BP4, BP7

Labcorp Genetics (formerly Invitae), Labcorp
Classification: Likely benign for Familial hypobetalipoproteinemia 1; Hypercholesterolemia, autosomal dominant, type B. Last evaluated: 2025-11-27. Review status: criteria provided, single submitter. Criteria: Invitae Variant Classification Sherloc (09022015). Collection method: clinical testing. Allele origin: germline.

ARUP Laboratories, Molecular Genetics and Genomics, ARUP Laboratories
Classification: Likely benign. Last evaluated: 2025-01-17. Review status: criteria provided, single submitter. Criteria: ARUP Molecular Germline Variant Investigation Process 2024. Collection method: clinical testing. Allele origin: germline.

Blueprint Genetics
Classification: Likely benign. Last evaluated: 2024-10-04. Review status: criteria provided, single submitter. Criteria: ACMG Guidelines, 2015. Collection method: clinical testing. Allele origin: germline.

GENinCode PLC
Classification: Likely benign for Familial hypercholesterolemia. Last evaluated: 2023-08-03. Review status: criteria provided, single submitter. Criteria: ACMG Guidelines, 2015. Collection method: clinical testing. Allele origin: germline.
Comment: This is a synonymous (silent) variant that is not predicted by SpliceAI to impact splicing. In addition, it occurs at a nucleotide that is not conserved. Therefore this variant has been classified as Likely Benign (BP4, BP7).

GeneDx
Classification: Likely benign. Last evaluated: 2020-10-05. Review status: criteria provided, single submitter. Criteria: GeneDx Variant Classification Process June 2021. Collection method: clinical testing. Allele origin: germline. Affected: yes.

Illumina Laboratory Services, Illumina
Classification: Uncertain significance for Hypercholesterolemia, autosomal dominant, type B. Last evaluated: 2017-04-27. Review status: criteria provided, single submitter. Criteria: ICSL Variant Classification Criteria 13 December 2019. Collection method: clinical testing. Allele origin: germline.

Illumina Laboratory Services, Illumina
Classification: Uncertain significance for Familial hypobetalipoproteinemia 1. Last evaluated: 2017-04-27. Review status: criteria provided, single submitter. Criteria: ICSL Variant Classification Criteria 13 December 2019. Collection method: clinical testing. Allele origin: germline.

Ambry Genetics
Classification: Likely benign for Cardiovascular phenotype. Last evaluated: 2016-09-15. Review status: criteria provided, single submitter. Criteria: Ambry Variant Classification Scheme 2023. Collection method: clinical testing. Allele origin: germline.